The following is an entry in ClinVar:

ClinVar aggregate classification (germline): Conflicting classifications of pathogenicity. Review status: criteria provided, conflicting classifications (1 of 4 stars). 4 submissions from 4 submitters: Uncertain significance (1); Likely benign (3). Last evaluated 2026-01-24.

Conditions:
Cardiovascular phenotype. Identifiers: MedGen CN230736.
RASopathy. Also called: rasopathies; Noonan spectrum disorder. Identifiers: Orphanet 536391, MedGen C5555857, MONDO:0021060.

Allele frequency attached by ClinVar (database versions not stated): ESP Exome Variant Server 0.00015; gnomAD 0.00007 and 0.00009; TOPMed 0.00007.
gnomAD v4.1: 35 of 1,614,078 alleles (0.0022%); highest among the groups gnomAD compares: African/African-American, 0.04%; no homozygotes.

Submissions (4):

Labcorp Genetics (formerly Invitae), Labcorp
Classification: Likely benign for RASopathy. Last evaluated: 2026-01-24. Review status: criteria provided, single submitter. Criteria: Invitae Variant Classification Sherloc (09022015). Collection method: clinical testing. Allele origin: germline.

Women's Health and Genetics/Laboratory Corporation of America, LabCorp
Classification: Uncertain significance. Last evaluated: 2023-09-12. Review status: criteria provided, single submitter. Criteria: LabCorp Variant Classification Summary - May 2015. Collection method: clinical testing. Allele origin: germline.
Comment: Variant summary: CBL c.1566T>C (p.Ala522Ala) alters a non-conserved nucleotide located close to a canonical splice site and therefore could affect mRNA splicing, leading to a significantly altered protein sequence. Consensus agreement among computational tools predict no significant impact on normal splicing. However, these predictions have yet to be confirmed by functional studies. The variant allele was found at a frequency of 2.8e-05 in 282860 control chromosomes (gnomAD). The available data on variant occurrences in the general population are insufficient to allow any conclusion about variant significance. To our knowledge, no occurrence of c.1566T>C in individuals affected with Noonan Syndrome And Related Conditions and no experimental evidence demonstrating its impact on protein function have been reported. Two ClinVar submitters have assessed the variant since 2014, and both classified the variant as likely benign. Based on the evidence outlined above, the variant was classified as uncertain significance.

ARUP Laboratories, Molecular Genetics and Genomics, ARUP Laboratories
Classification: Likely benign. Last evaluated: 2023-08-11. Review status: criteria provided, single submitter. Criteria: ARUP Molecular Germline Variant Investigation Process 2024. Collection method: clinical testing. Allele origin: germline.

Ambry Genetics
Classification: Likely benign for Cardiovascular phenotype. Last evaluated: 2019-08-19. Review status: criteria provided, single submitter. Criteria: Ambry Variant Classification Scheme 2023. Collection method: clinical testing. Allele origin: germline.

NM_005188.4(CBL):c.1566T>C (p.Ala522=)

Gene: CBL (Cbl proto-oncogene; plus strand). Cytogenetic location: 11q23.3.
Variant type: single nucleotide variant.
Coding change: c.1566T>C on transcript NM_005188.4 (MANE Select); coding-DNA position 1566, T replaced by C.
Protein change: p.Ala522=; no amino-acid change (alanine 522 retained).
Molecular consequence: synonymous variant.
Genome position (GRCh38, 1-based): chr11:119,285,191, T>C. VCF-style: chr11-119285191-T-C. GRCh37 (hg19) VCF-style: chr11-119155901-T-C.
Identifiers: ClinVar variation 544007 (VCV000544007.13), dbSNP rs371065029, ClinGen allele CA6318564.